The following is an entry in ClinVar:

NM_000059.4(BRCA2):c.9649-9T>G

Gene: BRCA2 (BRCA2 DNA repair associated; plus strand). Cytogenetic location: 13q13.1.
Variant type: single nucleotide variant.
Coding change: c.9649-9T>G on transcript NM_000059.4 (MANE Select); 9 bases into the intron before coding-DNA position 9649, T replaced by G.
Molecular consequence: intron variant.
Genome position (GRCh38, 1-based): chr13:32,398,153, T>G. VCF-style: chr13-32398153-T-G. GRCh37 (hg19) VCF-style: chr13-32972290-T-G.
Identifiers: ClinVar variation 491385 (VCV000491385.22), dbSNP rs765352313, ClinGen allele CA6941436.

ClinVar aggregate classification (germline): Conflicting classifications of pathogenicity. Review status: criteria provided, conflicting classifications (1 of 4 stars). 7 submissions from 7 submitters: Uncertain significance (1); Likely benign (6). Last evaluated 2026-02-04.

Conditions:
Hereditary cancer-predisposing syndrome. Also called: Tumor predisposition; Hereditary Cancer Syndrome; Neoplastic Syndromes, Hereditary; Hereditary neoplastic syndrome. Identifiers: Orphanet 140162, MedGen C0027672, MeSH D009386, MONDO:0015356.
Breast-ovarian cancer, familial, susceptibility to, 2 (BROVCA2). Also called: BRCA2 Hereditary Breast and Ovarian Cancer. Identifiers: Orphanet 145, MedGen C2675520, MONDO:0012933, OMIM 612555. Disease mechanism: loss of function.
Inherited breast cancer and ovarian cancer.
Hereditary breast ovarian cancer syndrome. Also called: Hereditary breast and ovarian cancer; Hereditary breast and ovarian cancer syndrome (HBOC); Hereditary breast and ovarian cancer syndrome; BRCA1- and BRCA2-Associated Hereditary Breast and Ovarian Cancer; Hereditary breast and/or ovarian cancer syndrome; Breast and ovarian cancer. Identifiers: Orphanet 145, MedGen C0677776, MeSH D061325, MONDO:0003582. Disease mechanism: loss of function.

Allele frequency attached by ClinVar (database versions not stated): ExAC below 0.00001; gnomAD exomes below 0.00001; gnomAD 0.00001 and 0.00002; TOPMed 0.00001.
gnomAD v4.1: 6 of 1,603,374 alleles (0.00037%); highest among the groups gnomAD compares: African/African-American, 0.0054%; no homozygotes.

Submissions (7):

Labcorp Genetics (formerly Invitae), Labcorp
Classification: Likely benign for Hereditary breast ovarian cancer syndrome. Last evaluated: 2026-02-04. Review status: criteria provided, single submitter. Criteria: Invitae Variant Classification Sherloc (09022015). Collection method: clinical testing. Allele origin: germline.

Quest Diagnostics Nichols Institute San Juan Capistrano
Classification: Likely benign. Last evaluated: 2025-08-26. Review status: criteria provided, single submitter. Criteria: Quest Diagnostics criteria. Collection method: clinical testing. Allele origin: unknown.

Women's Health and Genetics/Laboratory Corporation of America, LabCorp
Classification: Likely benign. Last evaluated: 2024-12-18. Review status: criteria provided, single submitter. Criteria: LabCorp Variant Classification Summary - May 2015. Collection method: clinical testing. Allele origin: germline.
Comment: Variant summary: BRCA2 c.9649-9T>G alters a conserved nucleotide located at a position not widely known to affect splicing. Consensus agreement among computation tools predict no significant impact on normal splicing. However, these predictions have yet to be confirmed by functional studies. The frequency data for this variant in gnomAD is considered unreliable, as metrics indicate poor data quality at this position. To our knowledge, no occurrence of c.9649-9T>G in individuals affected with Hereditary Breast And Ovarian Cancer Syndrome and no experimental evidence demonstrating its impact on protein function have been reported. ClinVar contains an entry for this variant (Variation ID: 491385). Based on the evidence outlined above, the variant was classified as likely benign.

Genomics and Molecular Medicine Service, East Genomic Laboratory Hub, NHS Genomic Medicine Service
Classification: Uncertain significance for Inherited breast cancer and ovarian cancer. Last evaluated: 2024-09-30. Review status: criteria provided, single submitter. Criteria: ACGS Best Practice Guidelines for Variant Classification in Rare Disease 2020. Collection method: clinical testing. Allele origin: germline. Affected: yes.
Comment: BP4

All of Us Research Program, National Institutes of Health
Classification: Likely benign for Breast-ovarian cancer, familial, susceptibility to, 2. Last evaluated: 2023-10-02. Review status: criteria provided, single submitter. Criteria: ACMG Guidelines, 2015. Collection method: clinical testing. Allele origin: germline. Inheritance: Autosomal dominant inheritance. Observed: 2 variant alleles, 2 heterozygotes.
Comment: This study involves interpretation of variants in research participants for the purpose of population health screening. Participant phenotype was not available at the time of variant classification. Additional details can be found in publication PMID: 35346344, PMCID: PMC8962531

Blueprint Genetics
Classification: Likely benign. Last evaluated: 2021-12-23. Review status: criteria provided, single submitter. Criteria: ACMG Guidelines, 2015. Collection method: clinical testing. Allele origin: germline.

Color Diagnostics, LLC DBA Color Health
Classification: Likely benign for Hereditary cancer-predisposing syndrome. Last evaluated: 2016-12-08. Review status: criteria provided, single submitter. Criteria: ACMG Guidelines, 2015. Collection method: clinical testing. Allele origin: germline.